The following is an entry in ClinVar:

NM_000539.3(RHO):c.203T>G (p.Leu68Arg)

Gene: RHO (rhodopsin; plus strand). Cytogenetic location: 3q22.1.
Variant type: single nucleotide variant.
Coding change: c.203T>G on transcript NM_000539.3 (MANE Select); coding-DNA position 203, T replaced by G.
Protein change: p.Leu68Arg; replaces leucine 68 with arginine.
Molecular consequence: missense variant.
Genome position (GRCh38, 1-based): chr3:129,528,936, T>G. VCF-style: chr3-129528936-T-G. GRCh37 (hg19) VCF-style: chr3-129247779-T-G.
Other names: short protein forms L68R.
Identifiers: ClinVar variation 636082 (VCV000636082.11), dbSNP rs137883686, ClinGen allele CA2607084.

ClinVar aggregate classification (germline): Uncertain significance. Review status: criteria provided, multiple submitters, no conflicts (2 of 4 stars). 4 submissions from 4 submitters: Uncertain significance (3). 1 of the submissions does not count toward it. Last evaluated 2026-07-21.

Conditions:
RHO-related disorder. Also called: RHO-related condition.
Retinitis pigmentosa (RP). Identifiers: Orphanet 791, MedGen C0035334, MeSH D012174, MONDO:0019200, OMIM 268000. Inheritance: Autosomal dominant, autosomal recessive and X linked inheritance.

Allele frequency attached by ClinVar (database versions not stated): gnomAD 0.00005 and 0.00003; TOPMed 0.00005; gnomAD exomes 0.00006; ExAC 0.00008.
gnomAD v4.1: 143 of 1,614,122 alleles (0.0089%); highest among the groups gnomAD compares: Non-Finnish European, 0.011%; no homozygotes.

Submissions (4):

PreventionGenetics, part of Exact Sciences
Classification: Uncertain significance for RHO-related condition. Last evaluated: 2026-07-21. Review status: criteria provided, single submitter. Criteria: ACMG Guidelines, 2015. Collection method: clinical testing. Allele origin: germline.
Comment: The RHO c.203T>G variant is predicted to result in the amino acid substitution p.Leu68Arg. This variant has been reported in the heterozygous state in two individuals with retinitis pigmentosa (Table S4, Jespersgaard et al. 2019. PubMed ID: 30718709; Table S4, Panneman et al. 2023. PubMed ID: 36819107). This variant is present in 0.013% of alleles in individuals of European (Non-Finnish) descent in gnomAD, including 143 heterozygotes in v4.1.0. At this time, the clinical significance of this variant is uncertain due to the absence of conclusive functional and genetic evidence.

Labcorp Genetics (formerly Invitae), Labcorp
Classification: Uncertain significance. Last evaluated: 2025-04-30. Review status: criteria provided, single submitter. Criteria: Invitae Variant Classification Sherloc (09022015). Collection method: clinical testing. Allele origin: germline.
Comment: This sequence change replaces leucine, which is neutral and non-polar, with arginine, which is basic and polar, at codon 68 of the RHO protein (p.Leu68Arg). This variant is present in population databases (rs137883686, gnomAD 0.01%). This missense change has been observed in individual(s) with retinitis pigmentosa (PMID: 30718709, 36819107). ClinVar contains an entry for this variant (Variation ID: 636082). Invitae Evidence Modeling of protein sequence and biophysical properties (such as structural, functional, and spatial information, amino acid conservation, physicochemical variation, residue mobility, and thermodynamic stability) indicates that this missense variant is expected to disrupt RHO protein function with a positive predictive value of 95%. Experimental studies have shown that this missense change affects RHO function (PMID: 28524165). In summary, the available evidence is currently insufficient to determine the role of this variant in disease. Therefore, it has been classified as a Variant of Uncertain Significance.

Blueprint Genetics
Classification: Uncertain significance. Last evaluated: 2024-09-19. Review status: criteria provided, single submitter. Criteria: ACMG Guidelines, 2015. Collection method: clinical testing. Allele origin: germline.

Department of Clinical Genetics, Copenhagen University Hospital, Rigshospitalet
Classification: Likely pathogenic for Retinitis pigmentosa. Last evaluated: 2018-04-01. Review status: no assertion criteria provided. Collection method: research. Allele origin: unknown. Affected: yes. Study: VeluxRD. Not counted in ClinVar's aggregate classification.

Literature cited by the submitters: PubMed 30718709 (cited by Labcorp Genetics (formerly Invitae), Labcorp and Department of Clinical Genetics, Copenhagen University Hospital, Rigshospitalet); PubMed 36819107 (cited by Labcorp Genetics (formerly Invitae), Labcorp); PubMed 28524165 (cited by Labcorp Genetics (formerly Invitae), Labcorp).